The following is an entry in ClinVar:

NM_014159.7(SETD2):c.1579A>G (p.Ile527Val)

Gene: SETD2 (SET domain containing 2, histone lysine methyltransferase; minus strand). Cytogenetic location: 3p21.31.
Variant type: single nucleotide variant.
Coding change: c.1579A>G on transcript NM_014159.7 (MANE Select); coding-DNA position 1579, A replaced by G.
Protein change: p.Ile527Val; replaces isoleucine 527 with valine.
Molecular consequence: missense variant. On other transcripts: non-coding transcript variant (1).
Genome position (GRCh38, 1-based): chr3:47,123,057, T>C on the plus strand (A>G on the coding strand, the complement: SETD2 is on the minus strand). VCF-style: chr3-47123057-T-C. GRCh37 (hg19) VCF-style: chr3-47164547-T-C.
Other names: c.1447A>G, p.Ile483Val (NM_001349370.3); short protein forms I527V, I483V.
Identifiers: ClinVar variation 135209 (VCV000135209.13), dbSNP rs373069098, ClinGen allele CA162020.

ClinVar aggregate classification (germline): Likely benign. Review status: criteria provided, single submitter (1 of 4 stars). 3 submissions from 3 submitters: Likely benign (1). 2 of the submissions do not count toward it. Last evaluated 2025-09-19.

Conditions:
SETD2-related disorder.
Luscan-Lumish syndrome. Identifiers: Orphanet 597738, MedGen C4085873, MONDO:0014791, OMIM 616831.

Allele frequency attached by ClinVar (database versions not stated): ExAC 0.00006; 1000 Genomes Project 0.00020; ESP Exome Variant Server 0.00023; gnomAD 0.00030 and 0.00033; 1000 Genomes Project 30x 0.00016; gnomAD exomes 0.00004 and 0.00006; TOPMed 0.00033.
gnomAD v4.1: 99 of 1,613,982 alleles (0.0061%); highest among the groups gnomAD compares: African/African-American, 0.12%; no homozygotes.

Submissions (3):

Labcorp Genetics (formerly Invitae), Labcorp
Classification: Likely benign for Luscan-Lumish syndrome. Last evaluated: 2025-09-19. Review status: criteria provided, single submitter. Criteria: Invitae Variant Classification Sherloc (09022015). Collection method: clinical testing. Allele origin: germline.

PreventionGenetics, part of Exact Sciences
Classification: Likely benign for SETD2-related condition. Last evaluated: 2022-04-29. Review status: no assertion criteria provided. Collection method: clinical testing. Allele origin: germline. Not counted in ClinVar's aggregate classification.
Comment: This variant is classified as likely benign based on ACMG/AMP sequence variant interpretation guidelines (Richards et al. 2015 PMID: 25741868, with internal and published modifications).

ITMI
No classification provided. Condition: AllHighlyPenetrant. Last evaluated: 2013-09-19. Review status: no classification provided. Collection method: reference population. Allele origin: germline. Not counted in ClinVar's aggregate classification.
Comment: Please see associated publication for description of ethnicities

Literature cited by the submitters: PubMed 24728327 (cited by ITMI).